The following is an entry in ClinVar:

ClinVar aggregate classification (germline): Uncertain significance (1 of 4 stars; one submission).

Conditions:
Deficiency of butyryl-CoA dehydrogenase (ACADSD). Also called: SCADH DEFICIENCY; ACYL-CoA DEHYDROGENASE, SHORT-CHAIN, DEFICIENCY OF; SCAD Deficiency; SCAD DEFICIENCY, MILD; Short-Chain Acyl-CoA Dehydrogenase Deficiency; ACADS DEFICIENCY. Identifiers: Orphanet 26792, MedGen C0342783, MONDO:0008722, OMIM 201470. Disease mechanism: May be benign.

Allele frequency attached by ClinVar (database versions not stated): gnomAD exomes below 0.00001 and 0.00001; TOPMed below 0.00001; ExAC 0.00001.
gnomAD v4.1: 10 of 1,613,026 alleles (0.00062%); highest among the groups gnomAD compares: South Asian, 0.0055%; no homozygotes.

Submission:

Labcorp Genetics (formerly Invitae), Labcorp
Classification: Uncertain significance for Deficiency of butyryl-CoA dehydrogenase. Last evaluated: 2024-11-29. Review status: criteria provided, single submitter. Criteria: Invitae Variant Classification Sherloc (09022015). Collection method: clinical testing. Allele origin: germline.
Comment: This sequence change replaces alanine, which is neutral and non-polar, with threonine, which is neutral and polar, at codon 286 of the ACADS protein (p.Ala286Thr). The frequency data for this variant in the population databases is considered unreliable, as metrics indicate poor data quality at this position in the gnomAD database. This variant has not been reported in the literature in individuals affected with ACADS-related conditions. ClinVar contains an entry for this variant (Variation ID: 951563). Invitae Evidence Modeling of protein sequence and biophysical properties (such as structural, functional, and spatial information, amino acid conservation, physicochemical variation, residue mobility, and thermodynamic stability) indicates that this missense variant is expected to disrupt ACADS protein function with a positive predictive value of 95%. In summary, the available evidence is currently insufficient to determine the role of this variant in disease. Therefore, it has been classified as a Variant of Uncertain Significance.

NM_000017.4(ACADS):c.856G>A (p.Ala286Thr)

Gene: ACADS (acyl-CoA dehydrogenase short chain; plus strand). Cytogenetic location: 12q24.31.
Variant type: single nucleotide variant.
Coding change: c.856G>A on transcript NM_000017.4 (MANE Select); coding-DNA position 856, G replaced by A.
Protein change: p.Ala286Thr; replaces alanine 286 with threonine.
Molecular consequence: missense variant.
Genome position (GRCh38, 1-based): chr12:120,738,593, G>A. VCF-style: chr12-120738593-G-A. GRCh37 (hg19) VCF-style: chr12-121176396-G-A.
Other names: c.844G>A, p.Ala282Thr (NM_001302554.2); short protein forms A282T, A286T.
Identifiers: ClinVar variation 951563 (VCV000951563.9), dbSNP rs781119134, ClinGen allele CA6831099.
Genomic context (GRCh38, chr12:120,738,593, plus strand): 5'-CAAACCCTGGACATGGGCCGCATCGGCATCGCCTCCCAGGCCCTGGGCATTGCCCAGACC[G>A]CCCTCGATTGTGCTGTGAACTACGCTGAGAATCGCATGGCCTTCGGGGCGCCCCTCACCA-3'
Protein context (NP_000008.1, residues 276-296): ASQALGIAQT[Ala286Thr]LDCAVNYAEN